The following is an entry in ClinVar:

NM_001035.3(RYR2):c.12215C>T (p.Thr4072Met)

Gene: RYR2 (ryanodine receptor 2; plus strand). Cytogenetic location: 1q43.
Variant type: single nucleotide variant.
Coding change: c.12215C>T on transcript NM_001035.3 (MANE Select); coding-DNA position 12215, C replaced by T.
Protein change: p.Thr4072Met; replaces threonine 4072 with methionine.
Molecular consequence: missense variant.
Genome position (GRCh38, 1-based): chr1:237,783,927, C>T. VCF-style: chr1-237783927-C-T. GRCh37 (hg19) VCF-style: chr1-237947227-C-T.
Other names: c.12215C>T, p.Thr4072Met (LRG_402t1); short protein forms T4072M.
Identifiers: ClinVar variation 404238 (VCV000404238.17), dbSNP rs928224285, ClinGen allele CA16610095.

ClinVar aggregate classification (germline): Conflicting classifications of pathogenicity. Review status: criteria provided, conflicting classifications (1 of 4 stars). 5 submissions from 5 submitters: Uncertain significance (3); Likely benign (2). Last evaluated 2026-08-18.

Conditions:
Cardiovascular phenotype. Identifiers: MedGen CN230736.
Cardiomyopathy (CMYO). Also called: Cardiomyopathies. Identifiers: Orphanet 167848, MedGen C0878544, MONDO:0004994, HP:0001638. Inheritance: Various modes of inheritance.
Catecholaminergic polymorphic ventricular tachycardia (CVPT). Also called: Catecholamine-induced polymorphic ventricular tachycardia. Identifiers: Orphanet 3286, MedGen C5574922, MONDO:0017990.
Catecholaminergic polymorphic ventricular tachycardia 1. Also called: RYR2-Related Catecholaminergic Polymorphic Ventricular Tachycardia; VENTRICULAR TACHYCARDIA, CATECHOLAMINERGIC POLYMORPHIC, 1, WITH OR WITHOUT ATRIAL DYSFUNCTION AND/OR DILATED CARDIOMYOPATHY; VENTRICULAR TACHYCARDIA, STRESS-INDUCED POLYMORPHIC 1. Identifiers: Orphanet 3286, MedGen C1631597, MONDO:0011484, OMIM 604772.

Allele frequency attached by ClinVar (database versions not stated): TOPMed 0.00002; gnomAD 0.00002; gnomAD exomes 0.00003 and 0.00001.
gnomAD v4.1: 15 of 1,613,266 alleles (0.00093%); highest among the groups gnomAD compares: Admixed American, 0.022%; no homozygotes.

Submissions (5):

Ambry Genetics
Classification: Uncertain significance for Cardiovascular phenotype. Last evaluated: 2026-08-18. Review status: criteria provided, single submitter. Criteria: Ambry Variant Classification Scheme 2023. Collection method: clinical testing. Allele origin: germline.
Comment: The p.T4072M variant (also known as c.12215C>T), located in coding exon 90 of the RYR2 gene, results from a C to T substitution at nucleotide position 12215. The threonine at codon 4072 is replaced by methionine, an amino acid with similar properties. This amino acid position is well conserved in available vertebrate species. In addition, this alteration is predicted to be tolerated by in silico analysis. Based on the available evidence, the clinical significance of this variant remains unclear.

Labcorp Genetics (formerly Invitae), Labcorp
Classification: Likely benign for Catecholaminergic polymorphic ventricular tachycardia 1. Last evaluated: 2025-12-29. Review status: criteria provided, single submitter. Criteria: Invitae Variant Classification Sherloc (09022015). Collection method: clinical testing. Allele origin: germline.

Color Diagnostics, LLC DBA Color Health
Classification: Likely benign for Cardiomyopathy. Last evaluated: 2024-12-23. Review status: criteria provided, single submitter. Criteria: ACMG Guidelines, 2015. Collection method: clinical testing. Allele origin: germline.

All of Us Research Program, National Institutes of Health
Classification: Uncertain significance for Catecholaminergic polymorphic ventricular tachycardia. Last evaluated: 2024-01-08. Review status: criteria provided, single submitter. Criteria: ACMG Guidelines, 2015. Collection method: clinical testing. Allele origin: germline. Inheritance: Autosomal dominant inheritance. Observed: 5 variant alleles, 5 heterozygotes.
Comment: Variant of Uncertain Significance due to insufficient evidence: This missense variant is located in the cytoplasmic domain of the RYR2 protein. Computational prediction tools and conservation analyses are inconclusive regarding the impact of this variant on the protein function. Computational splicing tools suggest that this variant may not impact the RNA splicing. To our knowledge, functional assays have not been performed for this variant nor has this variant been reported in individuals affected with cardiovascular disorders in the literature. This variant has been identified in 9/275082 chromosomes (9/34300 Latino chromosomes) in the general population by the Genome Aggregation Database (gnomAD). Available evidence is insufficient to determine the pathogenicity of this variant conclusively.

This study involves interpretation of variants in research participants for the purpose of population health screening. Participant phenotype was not available at the time of variant classification. Additional details can be found in publication PMID: 35346344, PMCID: PMC8962531

GeneDx
Classification: Uncertain significance. Last evaluated: 2023-09-29. Review status: criteria provided, single submitter. Criteria: GeneDx Variant Classification Process June 2021. Collection method: clinical testing. Allele origin: germline. Affected: yes.
Comment: In silico analysis supports that this missense variant does not alter protein structure/function; Has not been previously published as pathogenic or benign to our knowledge; located in one of the three hot-spot regions of the RYR2 gene, where the majority of pathogenic missense variants occur (Medeiros-Domingo et al., 2009)